The following is an entry in ClinVar:

GRCh38/hg38 6q21-23.1(chr6:113857248-130442177)x1

Genes: CALHM6-AS1 (CALHM6 antisense RNA 1; minus strand), CENPW (centromere protein W; plus strand), CEP85L (centrosomal protein 85L; minus strand), CLVS2 (clavesin 2; plus strand), COL10A1 (collagen type X alpha 1 chain; minus strand) and 313 more. Cytogenetic location: 6q21-23.1.
Variant type: copy number loss.
Change: copy number 1 (one copy instead of two) of chr6:113,857,248-130,442,177 (16.58 Mb, GRCh38 coordinates, 1-based), cytogenetic band 6q21-23.1.
Identifiers: ClinVar variation 2579265 (VCV002579265.1).

ClinVar aggregate classification (germline): Pathogenic (1 of 4 stars; one submission).

Conditions:
Intellectual developmental disorder, autosomal dominant 55, with seizures. Also called: MENTAL RETARDATION, AUTOSOMAL DOMINANT 55, WITH SEIZURES; Intellectual disability, autosomal dominant 55, with seizures. Identifiers: MedGen C4693371, MONDO:0030921, OMIM 617831.

Submission:

Broad Center for Mendelian Genomics, Broad Institute of MIT and Harvard
Classification: Pathogenic for Intellectual developmental disorder, autosomal dominant 55, with seizures. Last evaluated: 2023-08-24. Review status: criteria provided, single submitter. Criteria: ACMG/ClinGen CNV Guidelines, 2019. Collection method: research. Allele origin: de novo. Inheritance: Autosomal dominant inheritance. Affected: yes.
Comment: These breakpoints have been estimated by exome sequencing only and therefore may not reflect the true breakpoints. The patient phenotype is nonspecific, but is consistent with cases described in the literature and/or published databases with overlapping variants. There is complete overlap with the NUS1 gene, which is known to be haploinsufficient and has been assessed by the ClinGen Dosage Sensitivity Working Group. In summary, the 6q21-q23.1 deletion meets criteria to be classified as pathogenic. The ACMG/ClinGen evidence codes and points used in this curation are as follows: 1: 0 points, 2: 1.00 points, 3: 0.90 points, 4-5: 0.15 points; Total: 2.05 points; Riggs 2020 (PMID: 31690835).